The following is an entry in ClinVar:

NM_005228.5(EGFR):c.1881-726C>G

Gene: EGFR (epidermal growth factor receptor; plus strand). Cytogenetic location: 7p11.2.
Variant type: single nucleotide variant.
Coding change: c.1881-726C>G on transcript NM_005228.5 (MANE Select); 726 bases into the intron before coding-DNA position 1881, C replaced by G.
Molecular consequence: intron variant. On other transcripts: missense variant (1).
Genome position (GRCh38, 1-based): chr7:55,170,449, C>G. VCF-style: chr7-55170449-C-G. GRCh37 (hg19) VCF-style: chr7-55238142-C-G.
Other names: c.2023C>G, p.Leu675Val (NM_201284.2); c.1746-726C>G (NM_001346899.2, NM_001346897.2); c.1080-726C>G (NM_001346941.2); c.1881-726C>G (NM_001346898.2); c.1722-726C>G (NM_001346900.2); short protein forms L675V.
Identifiers: ClinVar variation 3770968 (VCV003770968.17).

ClinVar aggregate classification (germline): Likely benign. Review status: criteria provided, multiple submitters, no conflicts (2 of 4 stars). 4 submissions from 4 submitters: Likely benign (4). Last evaluated 2026-03-05.

gnomAD v4.1: 550 of 1,614,150 alleles (0.034%); highest among the groups gnomAD compares: African/African-American, 0.67%; 1 homozygote.

Submissions (4):

Dasa
Classification: Likely benign. Last evaluated: 2026-03-05. Review status: criteria provided, single submitter. Criteria: DASA Assertion Criteria. Collection method: clinical testing. Allele origin: germline.
Comment: NM_201284.2(EGFR):c.2023C>G (p.Leu675Val) is a missense variant that results in the substitution of leucine with valine. Population frequency is inconsistent with a disease-causing role for this variant, and observations in unaffected individuals support a benign interpretation. Computational prediction algorithms are consistent with a benign effect. Therefore, based on the currently available evidence, this variant is classified as likely benign.

ARUP Laboratories, Molecular Genetics and Genomics, ARUP Laboratories
Classification: Likely benign. Last evaluated: 2025-05-19. Review status: criteria provided, single submitter. Criteria: ARUP Molecular Germline Variant Investigation Process 2024. Collection method: clinical testing. Allele origin: germline.

CeGaT Center for Human Genetics Tuebingen
Classification: Likely benign. Last evaluated: 2025-02-01. Review status: criteria provided, single submitter. Criteria: CeGaT Center For Human Genetics Tuebingen Variant Classification Criteria Version 2. Collection method: clinical testing. Allele origin: germline. Affected: yes. Observed: 1 variant allele.
Comment: EGFR: BP4

Blueprint Genetics
Classification: Likely benign. Last evaluated: 2024-11-26. Review status: criteria provided, single submitter. Criteria: ACMG Guidelines, 2015. Collection method: clinical testing. Allele origin: germline.